The following is an entry in ClinVar:

NM_001369268.1(ACAN):c.148C>T (p.Pro50Ser)

Gene: ACAN (aggrecan; plus strand). Cytogenetic location: 15q26.1.
Variant type: single nucleotide variant.
Coding change: c.148C>T on transcript NM_001369268.1 (MANE Select); coding-DNA position 148, C replaced by T.
Protein change: p.Pro50Ser; replaces proline 50 with serine.
Molecular consequence: missense variant.
Genome position (GRCh38, 1-based): chr15:88,838,740, C>T. VCF-style: chr15-88838740-C-T. GRCh37 (hg19) VCF-style: chr15-89381971-C-T.
Other names: c.148C>T, p.Pro50Ser (NM_001135.4, NM_001411096.1, NM_001411097.1 and 1 more transcripts); short protein forms P50S.
Identifiers: ClinVar variation 2879760 (VCV002879760.3), dbSNP rs2505221247, ClinGen allele CA393714821.

ClinVar aggregate classification (germline): Uncertain significance (1 of 4 stars; one submission).

Submission:

Labcorp Genetics (formerly Invitae), Labcorp
Classification: Uncertain significance. Last evaluated: 2023-10-13. Review status: criteria provided, single submitter. Criteria: Invitae Variant Classification Sherloc (09022015). Collection method: clinical testing. Allele origin: germline.
Comment: This sequence change replaces proline, which is neutral and non-polar, with serine, which is neutral and polar, at codon 50 of the ACAN protein (p.Pro50Ser). This variant is not present in population databases (gnomAD no frequency). This variant has not been reported in the literature in individuals affected with ACAN-related conditions. Advanced modeling of protein sequence and biophysical properties (such as structural, functional, and spatial information, amino acid conservation, physicochemical variation, residue mobility, and thermodynamic stability) performed at Invitae indicates that this missense variant is not expected to disrupt ACAN protein function. In summary, the available evidence is currently insufficient to determine the role of this variant in disease. Therefore, it has been classified as a Variant of Uncertain Significance.